The following is an entry in ClinVar:

ClinVar aggregate classification (germline): Likely pathogenic. Review status: criteria provided, multiple submitters, no conflicts (2 of 4 stars). 3 submissions from 3 submitters: Likely pathogenic (3). Last evaluated 2025-05-07.

Conditions:
Hereditary cancer-predisposing syndrome. Also called: Neoplastic Syndromes, Hereditary; Hereditary Cancer Syndrome; Hereditary neoplastic syndrome; Tumor predisposition. Identifiers: Orphanet 140162, MedGen C0027672, MeSH D009386, MONDO:0015356.
Familial adenomatous polyposis 2. Also called: MYH-associated polyposis; FAP type 2; MUTYH-associated polyposis; MUTYH-related attenuated familial adenomatous polyposis; COLORECTAL ADENOMATOUS POLYPOSIS, AUTOSOMAL RECESSIVE; ADENOMAS, MULTIPLE COLORECTAL, AUTOSOMAL RECESSIVE. Identifiers: Orphanet 220460, Orphanet 247798, MedGen C3272841, MONDO:0012041, OMIM 608456.

Submissions (3):

Ambry Genetics
Classification: Likely pathogenic for Hereditary cancer-predisposing syndrome. Last evaluated: 2025-05-07. Review status: criteria provided, single submitter. Criteria: Ambry Variant Classification Scheme 2023. Collection method: clinical testing. Allele origin: germline.
Comment: The c.933+1G>A intronic variant results from a G to A substitution one nucleotide after coding exon 10 of the MUTYH gene. This nucleotide position is highly conserved in available vertebrate species. In silico splice site analysis predicts that this alteration will weaken the native splice donor site; however, direct evidence is insufficient at this time (Ambry internal data). Alterations that disrupt the canonical splice site are expected to cause aberrant splicing, resulting in an abnormal protein or a transcript that is subject to nonsense-mediated mRNA decay. As such, this alteration is classified as likely pathogenic.

Labcorp Genetics (formerly Invitae), Labcorp
Classification: Likely pathogenic for Familial adenomatous polyposis 2. Last evaluated: 2023-05-23. Review status: criteria provided, single submitter. Criteria: Invitae Variant Classification Sherloc (09022015). Collection method: clinical testing. Allele origin: germline.
Comment: This sequence change affects a donor splice site in intron 10 of the MUTYH gene. It is expected to disrupt RNA splicing. Variants that disrupt the donor or acceptor splice site typically lead to a loss of protein function (PMID: 16199547), and loss-of-function variants in MUTYH are known to be pathogenic (PMID: 18534194, 20663686). Algorithms developed to predict the effect of sequence changes on RNA splicing suggest that this variant may disrupt the consensus splice site. This variant has not been reported in the literature in individuals affected with MUTYH-related conditions. This variant is not present in population databases (gnomAD no frequency). In summary, the currently available evidence indicates that the variant is pathogenic, but additional data are needed to prove that conclusively. Therefore, this variant has been classified as Likely Pathogenic.

All of Us Research Program, National Institutes of Health
Classification: Likely pathogenic for Familial adenomatous polyposis 2. Last evaluated: 2023-02-24. Review status: criteria provided, single submitter. Criteria: ACMG Guidelines, 2015. Collection method: clinical testing. Allele origin: germline. Inheritance: Autosomal recessive inheritance. Observed: 1 variant allele, 1 heterozygote.
Comment: This variant causes a G to A nucleotide substitution at the +1 position of intron 10 of the MUTYH gene. Splice site prediction tools predict that this variant may have a significant impact on RNA splicing. Although this prediction has not been confirmed in published RNA studies, this variant is expected to result in an absent or disrupted protein product. This variant has not been reported in individuals affected with hereditary cancer in the literature. This variant has not been identified in the general population by the Genome Aggregation Database (gnomAD). Loss of MUTYH function is a known mechanism of disease. Based on the available evidence, this variant is classified as Likely Pathogenic.

This study involves interpretation of variants in research participants for the purpose of population health screening. Participant phenotype was not available at the time of variant classification. Additional details can be found in publication PMID: 35346344, PMCID: PMC8962531

Literature cited by the submitters: PubMed 16199547 (cited by Labcorp Genetics (formerly Invitae), Labcorp); PubMed 18534194 (cited by Labcorp Genetics (formerly Invitae), Labcorp); PubMed 20663686 (cited by Labcorp Genetics (formerly Invitae), Labcorp).

NM_001048174.2(MUTYH):c.849+1G>A

Gene: MUTYH (mutY DNA glycosylase; minus strand). Cytogenetic location: 1p34.1.
Variant type: single nucleotide variant.
Coding change: c.849+1G>A on transcript NM_001048174.2 (MANE Select); the canonical splice donor site of the intron after coding-DNA position 849, G replaced by A.
Molecular consequence: splice donor variant.
Genome position (GRCh38, 1-based): chr1:45,332,165, C>T on the plus strand (G>A on the coding strand, the complement: MUTYH is on the minus strand). VCF-style: chr1-45332165-C-T. GRCh37 (hg19) VCF-style: chr1-45797837-C-T.
Other names: c.933+1G>A (NM_001128425.1, NM_001128425.2); c.849+1G>A (NM_001407072.1, NM_001407073.1, NM_001048171.2 and 6 more transcripts); c.504+1G>A (NM_001350651.2, NM_001350650.2, NM_001407082.1); c.573+1G>A (NM_001293192.2, NM_001293196.2, NM_001407091.1); c.894+1G>A (NM_001293190.2); c.882+1G>A (NM_001407069.1, NM_001407077.1, NM_001293191.2); c.924+1G>A (NM_012222.3); c.852+1G>A (NM_001407071.1, NM_001048172.2, NM_001407078.1 and 1 more transcripts); and 5 more.
Identifiers: ClinVar variation 2959575 (VCV002959575.6), dbSNP rs2149136521, ClinGen allele CA340134280.
Genomic context (GRCh38, chr1:45,332,165, plus strand): 5'-AGTGTCATAGGGCAGAGTCACTCCTTAGGACTTCTCACTGCCCCTTCCCCAGTAGGCTTA[C>T]TCTCTGGCGTGCCCGGCACAGGCTCTCCACAGGGCACTGGCTGCACAGTGGGCGCTGTGG-3'